The following is an entry in ClinVar:

NM_001164508.2(NEB):c.21206A>T (p.Lys7069Met)

Gene: NEB (nebulin; minus strand). Cytogenetic location: 2q23.3.
Variant type: single nucleotide variant.
Coding change: c.21206A>T on transcript NM_001164508.2 (MANE Select); coding-DNA position 21206, A replaced by T.
Protein change: p.Lys7069Met; replaces lysine 7069 with methionine.
Molecular consequence: missense variant.
Genome position (GRCh38, 1-based): chr2:151,537,133, T>A on the plus strand (A>T on the coding strand, the complement: NEB is on the minus strand). VCF-style: chr2-151537133-T-A. GRCh37 (hg19) VCF-style: chr2-152393647-T-A.
Other names: c.21206A>T, p.Lys7069Met (NM_001164507.2, NM_001271208.2); c.16103A>T, p.Lys5368Met (NM_004543.5); short protein forms K5368M, K7069M.
Identifiers: ClinVar variation 4848237 (VCV004848237.1).

ClinVar aggregate classification (germline): Uncertain significance (1 of 4 stars; one submission).

gnomAD v4.1: 3 of 1,598,798 alleles (0.00019%); highest among the groups gnomAD compares: African/African-American, 0.0013%; no homozygotes.

Submission:

Women's Health and Genetics/Laboratory Corporation of America, LabCorp
Classification: Uncertain significance. Last evaluated: 2026-02-18. Review status: criteria provided, single submitter. Criteria: LabCorp Variant Classification Summary - May 2015. Collection method: clinical testing. Allele origin: germline.
Comment: Variant summary: NEB c.21206A>T (p.Lys7069Met) results in a non-conservative amino acid change in the encoded protein sequence. Algorithms developed to predict the effect of missense changes on protein structure and function are either unavailable or do not agree on the potential impact of this missense change. Several computational tools predict a significant impact on normal splicing: Three predict the variant abolishes a 5' splicing donor site and one predicts the variant weakens a 5' donor site. However, these predictions have yet to be confirmed by functional studies. The variant was absent in 248226 control chromosomes. The available data on variant occurrences in the general population are insufficient to allow any conclusion about variant significance. To our knowledge, no occurrence of c.21206A>T in individuals affected with NEB-related conditions and no experimental evidence demonstrating its impact on protein function have been reported. No submitters have cited clinical-significance assessments for this variant to ClinVar. Based on the evidence outlined above, the variant was classified as uncertain significance.